The following is an entry in ClinVar:

ClinVar aggregate classification (germline): Uncertain significance (1 of 4 stars; one submission).

Conditions:
Hereditary cancer-predisposing syndrome. Also called: Neoplastic Syndromes, Hereditary; Tumor predisposition; Hereditary Cancer Syndrome; Hereditary neoplastic syndrome. Identifiers: Orphanet 140162, MedGen C0027672, MeSH D009386, MONDO:0015356.

Submission:

Ambry Genetics
Classification: Uncertain significance for Hereditary cancer-predisposing syndrome. Last evaluated: 2025-07-01. Review status: criteria provided, single submitter. Criteria: Ambry Variant Classification Scheme 2023. Collection method: clinical testing. Allele origin: germline.
Comment: The p.P1202L variant (also known as c.3605C>T), located in coding exon 29 of the TSC2 gene, results from a C to T substitution at nucleotide position 3605. The proline at codon 1202 is replaced by leucine, an amino acid with similar properties. This amino acid position is highly conserved in available vertebrate species. In addition, this alteration is predicted to be deleterious by in silico analysis. Based on the available evidence, the clinical significance of this variant remains unclear.

NM_000548.5(TSC2):c.3605C>T (p.Pro1202Leu)

Gene: TSC2 (TSC complex subunit 2; plus strand). Cytogenetic location: 16p13.3.
Variant type: single nucleotide variant.
Coding change: c.3605C>T on transcript NM_000548.5 (MANE Select); coding-DNA position 3605, C replaced by T.
Protein change: p.Pro1202Leu; replaces proline 1202 with leucine.
Molecular consequence: missense variant. On other transcripts: non-coding transcript variant (5).
Genome position (GRCh38, 1-based): chr16:2,080,372, C>T. VCF-style: chr16-2080372-C-T. GRCh37 (hg19) VCF-style: chr16-2130373-C-T.
Other names: c.2261C>T, p.Pro754Leu (NM_001406689.1); c.2132C>T, p.Pro711Leu (NM_001406690.1, NM_001406692.1, NM_001406693.1 and 1 more transcripts); c.2129C>T, p.Pro710Leu (NM_001406691.1, NM_001406695.1, NM_001406696.1 and 1 more transcripts); c.1871C>T, p.Pro624Leu (NM_001406698.1); c.3473C>T, p.Pro1158Leu (NM_001077183.3, NM_001370404.1, NM_001406665.1); c.3605C>T, p.Pro1202Leu (NM_001114382.3); c.3365C>T, p.Pro1122Leu (NM_001318827.2); c.3329C>T, p.Pro1110Leu (NM_001318829.2); and 18 more; short protein forms P1002L, P1005L, P1158L, P1165L, P1188L, P710L, P958L, P959L.
Identifiers: ClinVar variation 4192124 (VCV004192124.1).